The following is an entry in ClinVar:

NM_023110.3(FGFR1):c.-89+5001A>G

Gene: FGFR1 (fibroblast growth factor receptor 1; minus strand). Cytogenetic location: 8p11.23.
Variant type: single nucleotide variant.
Coding change: c.-89+5001A>G on transcript NM_023110.3 (MANE Select); 5001 bases into the intron after 89 bases upstream of the start codon, A replaced by G.
Molecular consequence: intron variant.
Genome position (GRCh38, 1-based): chr8:38,462,980, T>C on the plus strand (A>G on the coding strand, the complement: FGFR1 is on the minus strand). VCF-style: chr8-38462980-T-C. GRCh37 (hg19) VCF-style: chr8-38320498-T-C.
Other names: c.-89+5001A>G (NM_001354368.2, NM_001354370.2, NM_023106.3 and 4 more transcripts); c.-181+5001A>G (NM_001174064.2); c.-89+4692A>G (NM_001174066.2, NM_001354369.2, NM_001410922.1 and 1 more transcripts); c.-149-1725A>G (NM_001174067.2).
Identifiers: ClinVar variation 2658557 (VCV002658557.24), dbSNP rs182750036, ClinGen allele CA175775123.

ClinVar aggregate classification (germline): Likely benign (1 of 4 stars; one submission).

Allele frequency attached by ClinVar (database versions not stated): TOPMed 0.00107; gnomAD 0.00145; 1000 Genomes Project 30x 0.00156; 1000 Genomes Project 0.00180.

Submission:

CeGaT Center for Human Genetics Tuebingen
Classification: Likely benign. Last evaluated: 2023-03-01. Review status: criteria provided, single submitter. Criteria: CeGaT Center For Human Genetics Tuebingen Variant Classification Criteria Version 2. Collection method: clinical testing. Allele origin: germline. Affected: yes. Observed: 3 variant alleles.
Comment: FGFR1: BS1